The following is an entry in ClinVar:

NM_000104.4(CYP1B1):c.994C>T (p.Gln332Ter)

Gene: CYP1B1 (cytochrome P450 family 1 subfamily B member 1; minus strand). Cytogenetic location: 2p22.2.
Variant type: single nucleotide variant.
Coding change: c.994C>T on transcript NM_000104.4 (MANE Select); coding-DNA position 994, C replaced by T.
Protein change: p.Gln332Ter; replaces glutamine 332 with a stop codon.
Molecular consequence: nonsense.
Genome position (GRCh38, 1-based): chr2:38,074,395, G>A on the plus strand (C>T on the coding strand, the complement: CYP1B1 is on the minus strand). VCF-style: chr2-38074395-G-A. GRCh37 (hg19) VCF-style: chr2-38301538-G-A.
Other names: NM_000104.4(CYP1B1):c.994C>T; p.Gln332Ter; short protein forms Q332*.
Identifiers: ClinVar variation 2681136 (VCV002681136.2), dbSNP rs2465882986, ClinGen allele CA346328083.

ClinVar aggregate classification (germline): Likely pathogenic. Review status: reviewed by expert panel (3 of 4 stars). 2 submissions from 2 submitters: Likely pathogenic (1). 1 of the submissions does not count toward it. Last evaluated 2026-10-27.

Conditions:
CYP1B1-related glaucoma with or without anterior segment dysgenesis. Identifiers: MedGen CN375931, MONDO:0800472.
Anterior segment dysgenesis 6 (ASGD6). Also called: Anterior segment dysgenesis 6, multiple subtypes. Identifiers: MedGen C4310623, MONDO:0015016, OMIM 617315.

Submissions (2):

ClinGen Glaucoma Variant Curation Expert Panel
Classification: Likely pathogenic for CYP1B1-related glaucoma with or without anterior segment dysgenesis. Last evaluated: 2026-10-27. Review status: reviewed by expert panel. Criteria: ClinGen Glaucoma ACMG Specifications CYP1B1 V2.0. Collection method: curation. Allele origin: germline. Inheritance: Autosomal recessive inheritance.
Comment: The c.994C>T variant in CYP1B1 is predicted to cause a change in the length of the protein due to the insertion of a terminating codon instead of the usual Glutamine at amino acid 332 (p.Gln332Ter). This variant was not found in any genetic ancestry group of gnomAD (v4.1), meeting the ≤ 0.0005 threshold set for PM2_Supporting in a genetic ancestry group of at least 2,000 alleles. This nonsense variant was not predicted to undergo NMD but removes the haem-binding domain (PVS1 met). There was no functional evidence predicting a damaging or benign impact of this variant on CYP1B1 function. This variant has been identified in an individual in laboratory testing (ClinVar database), however no phenotypic or genotypic information was able to be obtained for PM3 to be assessed. In summary, this variant met the criteria to receive a score of 9 and to be classified as likely pathogenic (likely pathogenic classification range 6 to 9, adapted from PMID: 32720330) for CYP1B1-related glaucoma with or without anterior segment dysgenesis (ASD) based on the ACMG/AMP criteria met, as specified by the ClinGen Glaucoma VCEP (v2.0, 16.07.2026): PVS1, PM2_Supporting

Baylor Genetics
Classification: Likely pathogenic for Anterior segment dysgenesis 6. Last evaluated: 2023-01-31. Review status: criteria provided, single submitter. Criteria: ACMG Guidelines, 2015. Collection method: clinical testing. Allele origin: unknown. Not counted in ClinVar's aggregate classification.